The following is an entry in ClinVar:

ClinVar aggregate classification (germline): Uncertain significance. Review status: criteria provided, multiple submitters, no conflicts (2 of 4 stars). 4 submissions from 4 submitters: Uncertain significance (4). Last evaluated 2025-09-29.

Conditions:
Myopathy, proximal, and ophthalmoplegia (CMYO6). Also called: CONGENITAL MYOPATHY 6 WITH OPHTHALMOPLEGIA; MYOPATHY WITH CONGENITAL JOINT CONTRACTURES, OPHTHALMOPLEGIA, AND RIMMED VACUOLES; INCLUSION BODY MYOPATHY 3, AUTOSOMAL DOMINANT. Identifiers: Orphanet 363677, Orphanet 79091, MedGen C1854106, MONDO:0011577, OMIM 605637.
Inborn genetic diseases. Identifiers: MedGen C0950123, MeSH D030342.

Allele frequency attached by ClinVar (database versions not stated): gnomAD 0.00001; gnomAD exomes 0.00001 and 0.00002; ExAC 0.00002; TOPMed 0.00002.
gnomAD v4.1: 29 of 1,614,112 alleles (0.0018%); highest among the groups gnomAD compares: East Asian, 0.0022%; no homozygotes.

Submissions (4):

Labcorp Genetics (formerly Invitae), Labcorp
Classification: Uncertain significance for Myopathy, proximal, and ophthalmoplegia. Last evaluated: 2025-09-29. Review status: criteria provided, single submitter. Criteria: Invitae Variant Classification Sherloc (09022015). Collection method: clinical testing. Allele origin: germline.
Comment: This sequence change replaces arginine, which is basic and polar, with glutamine, which is neutral and polar, at codon 1132 of the MYH2 protein (p.Arg1132Gln). This variant is present in population databases (rs778993350, gnomAD 0.003%). This variant has not been reported in the literature in individuals affected with MYH2-related conditions. ClinVar contains an entry for this variant (Variation ID: 1417276). Invitae Evidence Modeling of protein sequence and biophysical properties (such as structural, functional, and spatial information, amino acid conservation, physicochemical variation, residue mobility, and thermodynamic stability) indicates that this missense variant is not expected to disrupt MYH2 protein function with a negative predictive value of 80%. In summary, the available evidence is currently insufficient to determine the role of this variant in disease. Therefore, it has been classified as a Variant of Uncertain Significance.

Ambry Genetics
Classification: Uncertain significance for Inborn genetic diseases. Last evaluated: 2025-09-25. Review status: criteria provided, single submitter. Criteria: Ambry Variant Classification Scheme 2023. Collection method: clinical testing. Allele origin: germline.

CeGaT Center for Human Genetics Tuebingen
Classification: Uncertain significance. Last evaluated: 2023-07-01. Review status: criteria provided, single submitter. Criteria: CeGaT Center For Human Genetics Tuebingen Variant Classification Criteria Version 2. Collection method: clinical testing. Allele origin: germline. Affected: yes. Observed: 1 variant allele.

Revvity Omics, Revvity
Classification: Uncertain significance for Myopathy, proximal, and ophthalmoplegia. Last evaluated: 2019-05-03. Review status: criteria provided, single submitter. Criteria: ACMG Guidelines, 2015. Collection method: clinical testing. Allele origin: germline.

NM_017534.6(MYH2):c.3395G>A (p.Arg1132Gln)

Genes: MYHAS (myosin heavy chain gene cluster antisense RNA; plus strand), MYH2 (myosin heavy chain 2; minus strand). Cytogenetic location: 17p13.1.
Variant type: single nucleotide variant.
Coding change: c.3395G>A on transcript NM_017534.6 (MANE Select); coding-DNA position 3395, G replaced by A.
Protein change: p.Arg1132Gln; replaces arginine 1132 with glutamine.
Molecular consequence: missense variant.
Genome position (GRCh38, 1-based): chr17:10,529,039, C>T on the plus strand (G>A on the coding strand, the complement: MYH2 is on the minus strand). VCF-style: chr17-10529039-C-T. GRCh37 (hg19) VCF-style: chr17-10432356-C-T.
Other names: c.3395G>A, p.Arg1132Gln (NM_001100112.2); c.3395G>A (NM_017534.5); short protein forms R1132Q.
Identifiers: ClinVar variation 1417276 (VCV001417276.32), dbSNP rs778993350, ClinGen allele CA8390905.